The following is an entry in ClinVar:

NM_001379081.2(FREM1):c.6009+4T>G

Gene: FREM1 (FRAS1 related extracellular matrix 1; minus strand). Cytogenetic location: 9p22.3.
Variant type: single nucleotide variant.
Coding change: c.6009+4T>G on transcript NM_001379081.2 (MANE Select); 4 bases into the intron after coding-DNA position 6009, T replaced by G.
Molecular consequence: intron variant.
Genome position (GRCh38, 1-based): chr9:14,747,260, A>C on the plus strand (T>G on the coding strand, the complement: FREM1 is on the minus strand). VCF-style: chr9-14747260-A-C. GRCh37 (hg19) VCF-style: chr9-14747258-A-C.
Other names: c.6009+4T>G (NM_144966.7); c.1617+4T>G (NM_001370061.2, NM_001177704.3); c.1467+4T>G (NM_001370058.2).
Identifiers: ClinVar variation 3052852 (VCV003052852.2), dbSNP rs777744025, ClinGen allele CA861378133.

ClinVar aggregate classification (germline): Likely benign (0 of 4 stars; one submission).

Conditions:
FREM1-related disorder. Also called: FREM1-Related Disorders; FREM1-related condition.

Submission:

PreventionGenetics, part of Exact Sciences
Classification: Likely benign for FREM1-related condition. Last evaluated: 2019-08-29. Review status: no assertion criteria provided. Collection method: clinical testing. Allele origin: germline.
Comment: This variant is classified as likely benign based on ACMG/AMP sequence variant interpretation guidelines (Richards et al. 2015 PMID: 25741868, with internal and published modifications).